The following is an entry in ClinVar:

NM_000441.2(SLC26A4):c.1115C>T (p.Ala372Val)

Gene: SLC26A4 (solute carrier family 26 member 4; plus strand). Cytogenetic location: 7q22.3.
Variant type: single nucleotide variant.
Coding change: c.1115C>T on transcript NM_000441.2 (MANE Select); coding-DNA position 1115, C replaced by T.
Protein change: p.Ala372Val; replaces alanine 372 with valine.
Molecular consequence: missense variant.
Genome position (GRCh38, 1-based): chr7:107,689,166, C>T. VCF-style: chr7-107689166-C-T. GRCh37 (hg19) VCF-style: chr7-107329611-C-T.
Other names: short protein forms A372V.
Identifiers: ClinVar variation 4823 (VCV000004823.7), dbSNP rs121908364, ClinGen allele CA253306.

ClinVar aggregate classification (germline): Pathogenic. Review status: criteria provided, multiple submitters, no conflicts (2 of 4 stars). 4 submissions from 4 submitters: Pathogenic (2). 2 of the submissions do not count toward it. Last evaluated 2025-03-27.

Conditions:
Pendred syndrome (PDS). Also called: DEAFNESS WITH GOITER; GOITER-DEAFNESS SYNDROME; HYPOTHYROIDISM, CONGENITAL, DUE TO DYSHORMONOGENESIS, 2B; Pendred's syndrome; THYROID DYSHORMONOGENESIS 2B; THYROID HORMONOGENESIS, GENETIC DEFECT IN, 2B. Identifiers: Orphanet 705, MedGen C0271829, MONDO:0010134, OMIM 274600.
Autosomal recessive nonsyndromic hearing loss 4 (DFNB4). Also called: FOXI1-Related Pendred Syndrome; KCNJ10-Related Pendred Syndrome; DEAFNESS, AUTOSOMAL RECESSIVE 4, WITH ENLARGED VESTIBULAR AQUEDUCT, DIGENIC; NEUROSENSORY NONSYNDROMIC RECESSIVE DEAFNESS 4; Deafness, autosomal recessive 4, with enlarged vestibular aqueduct; Nonsyndromic enlarged vestibular aqueduct (NSEVA). Identifiers: Orphanet 90636, MedGen C3538946, MONDO:0010933, OMIM 600791.

gnomAD v4.1: 1 of 1,613,706 alleles (0.000062%); highest among the groups gnomAD compares: East Asian, 0.0022%; no homozygotes.

Submissions (4):

Women's Health and Genetics/Laboratory Corporation of America, LabCorp
Classification: Pathogenic for Pendred syndrome. Last evaluated: 2025-03-27. Review status: criteria provided, single submitter. Criteria: LabCorp Variant Classification Summary - May 2015. Collection method: clinical testing. Allele origin: germline.
Comment: Variant summary: SLC26A4 c.1115C>T (p.Ala372Val) results in a non-conservative amino acid change in the encoded protein sequence. Four of four in-silico tools predict a damaging effect of the variant on protein function. The variant was absent in 251240 control chromosomes (gnomAD). c.1115C>T has been reported in the literature in individuals affected with Pendred Syndrome or with nonsyndromic hearing loss with EVA (e.g. Usami_1999, Tsukamoto_2003). These data indicate that the variant is likely to be associated with disease. Publications report experimental evidence evaluating an impact on protein function, finding that the variant results in cytoplasmic accumulation and a severe reduction in anion transport activity (Ishihara_2010, Wasano_2020). The following publications have been ascertained in the context of this evaluation (PMID: 10190331, 20826203, 14508505, 31599023). ClinVar contains an entry for this variant (Variation ID: 4823). Based on the evidence outlined above, the variant was classified as pathogenic.

Division of Hearing and Balance Research, National Hospital Organization Tokyo Medical Center
Classification: Pathogenic for Autosomal recessive nonsyndromic hearing loss 4. Last evaluated: 2017-07-01. Review status: criteria provided, single submitter. Criteria: Submitter's publication. Collection method: clinical testing. Allele origin: germline. Affected: yes. Observed: 1 variant allele.

National Institute of Sensory Organs, National Hospital Organization Tokyo Medical Center
Classification: Affects for Autosomal recessive nonsyndromic hearing loss 4. Last evaluated: 2019-08-20. Review status: no assertion criteria provided. Collection method: clinical testing, in vitro. Allele origin: germline. Inheritance: Autosomal recessive inheritance. Affected: yes. Functional consequence: loss_of_function_variant. Not counted in ClinVar's aggregate classification.
Comment: in vitro experiment

OMIM
Classification: Pathogenic for DEAFNESS, AUTOSOMAL RECESSIVE 4, WITH ENLARGED VESTIBULAR AQUEDUCT. Last evaluated: 1999-02-01. Review status: no assertion criteria provided. Collection method: literature only. Allele origin: germline. Not counted in ClinVar's aggregate classification.

Literature cited by the submitters: PubMed 31599023 (cited by Women's Health and Genetics/Laboratory Corporation of America, LabCorp and National Institute of Sensory Organs, National Hospital Organization Tokyo Medical Center); PubMed 20826203 (cited by Women's Health and Genetics/Laboratory Corporation of America, LabCorp and National Institute of Sensory Organs, National Hospital Organization Tokyo Medical Center); PubMed 14508505 (cited by Women's Health and Genetics/Laboratory Corporation of America, LabCorp); PubMed 10190331 (cited by 3 submitters); PubMed 24599119 (cited by National Institute of Sensory Organs, National Hospital Organization Tokyo Medical Center); PubMed 26346818 (cited by National Institute of Sensory Organs, National Hospital Organization Tokyo Medical Center); PubMed 27771369 (cited by National Institute of Sensory Organs, National Hospital Organization Tokyo Medical Center).